The following is an entry in ClinVar:

ClinVar aggregate classification (germline): Uncertain significance (1 of 4 stars; one submission).

Conditions:
Inborn genetic diseases. Identifiers: MedGen C0950123, MeSH D030342.

Submission:

Ambry Genetics
Classification: Uncertain significance for Inborn genetic diseases. Last evaluated: 2020-08-13. Review status: criteria provided, single submitter. Criteria: Ambry Variant Classification Scheme 2023. Collection method: clinical testing. Allele origin: germline.
Comment: The alteration results in an amino acid change:_x000D_ _x000D_ The c.1288C>G (p.H430D) alteration is located in exon 7 (coding exon 5) of the CTCF gene. This alteration results from a C to G substitution at nucleotide position 1288, causing the histidine (H) at amino acid position 430 to be replaced by an aspartic acid (D). The alteration is not observed in population databases:_x000D_ _x000D_ Based on data from the Genome Aggregation Database (gnomAD), the CTCF c.1288C>G alteration was not observed, with coverage at this position. The altered amino acid is conserved throughout evolution:_x000D_ _x000D_ The p.H430 amino acid is conserved in available vertebrate species. The amino acid is located in a functionally important protein domain:_x000D_ _x000D_ The p.H430D amino acid is located in the zinc finger domain of CTCF, where many other pathogenic missense variants have been reported (Konrad, 2019) . The alteration is predicted inconclusive by in silico modeling:_x000D_ _x000D_ The in silico prediction for the p.H430D alteration is inconclusive. Based on insufficient or conflicting evidence, the clinical significance of this alteration remains unclear.

Literature cited by the submitters: PubMed 31239556.

NM_006565.4(CTCF):c.1288C>G (p.His430Asp)

Gene: CTCF (CCCTC-binding factor; plus strand). Cytogenetic location: 16q22.1.
Variant type: single nucleotide variant.
Coding change: c.1288C>G on transcript NM_006565.4 (MANE Select); coding-DNA position 1288, C replaced by G.
Protein change: p.His430Asp; replaces histidine 430 with aspartic acid.
Molecular consequence: missense variant.
Genome position (GRCh38, 1-based): chr16:67,621,522, C>G. VCF-style: chr16-67621522-C-G. GRCh37 (hg19) VCF-style: chr16-67655425-C-G.
Other names: c.304C>G, p.His102Asp (NM_001191022.2); c.1288C>G, p.His430Asp (NM_001363916.2); short protein forms H430D, H102D.
Identifiers: ClinVar variation 2227309 (VCV002227309.2), dbSNP rs2543472634, ClinGen allele CA396316030.